The following is an entry in ClinVar:

NM_000521.4(HEXB):c.1539_1540del (p.Trp514fs)

Gene: HEXB (hexosaminidase subunit beta; plus strand). Cytogenetic location: 5q13.3.
Variant type: Microsatellite.
Coding change: c.1539_1540del on transcript NM_000521.4 (MANE Select); coding-DNA positions 1539 to 1540, 2 bases deleted (CT; older notation c.1539_1540delCT).
Protein change: p.Trp514fs; shifts the reading frame from tryptophan 514.
Molecular consequence: frameshift variant.
Genome position (GRCh38, 1-based): chr5:74,720,673-74,720,674, CT deleted; deleting any 2 consecutive bases within chr5:74,720,671-74,720,674 gives the same sequence; the c. name uses the placement nearest the transcript's 3' end. VCF-style (leftmost placement, unchanged base first): chr5-74720670-ACT-A. GRCh37 (hg19) VCF-style: chr5-74016495-ACT-A.
Other names: c.864_865del, p.Trp289fs (NM_001292004.2); short protein forms W289fs, W514fs.
Identifiers: ClinVar variation 4809202 (VCV004809202.1).

ClinVar aggregate classification (germline): Pathogenic (1 of 4 stars; one submission).

Conditions:
Sandhoff disease. Also called: GM2-GANGLIOSIDOSIS, TYPE II; HEXOSAMINIDASES A AND B DEFICIENCY; Beta-hexosaminidase-beta-subunit deficiency; GM2 gangliosidosis, type 2; Total hexosaminidase deficiency; Sandhoff-Jatzkewitz-Pilz disease. Identifiers: Orphanet 796, MedGen C0036161, MONDO:0010006, OMIM 268800.

Submission:

Labcorp Genetics (formerly Invitae), Labcorp
Classification: Pathogenic for Sandhoff disease. Last evaluated: 2026-02-01. Review status: criteria provided, single submitter. Criteria: Invitae Variant Classification Sherloc (09022015). Collection method: clinical testing. Allele origin: germline.
Comment: This sequence change creates a premature translational stop signal (p.Trp514Glufs*10) in the HEXB gene. While this is not anticipated to result in nonsense mediated decay, it is expected to disrupt the last 43 amino acid(s) of the HEXB protein. This variant is not present in population databases (gnomAD no frequency). This variant has not been reported in the literature in individuals affected with HEXB-related conditions. This variant disrupts a region of the HEXB protein in which other variant(s) (p.Cys551Tyr) have been determined to be pathogenic (PMID: 24461908, 33407268). This suggests that this is a clinically significant region of the protein, and that variants that disrupt it are likely to be disease-causing. For these reasons, this variant has been classified as Pathogenic.

Literature cited by the submitters: PubMed 24461908; PubMed 33407268.